The following is an entry in ClinVar:

ClinVar aggregate classification (germline): Uncertain significance. Review status: criteria provided, multiple submitters, no conflicts (2 of 4 stars). 10 submissions from 10 submitters: Uncertain significance (10). Last evaluated 2026-03-07.

Conditions:
King Denborough syndrome (KDS). Identifiers: MedGen C1840365, MONDO:0020485, OMIM 619542.
Congenital myopathy with fiber type disproportion. Also called: Congenital fiber-type disproportion myopathy; Congenital fiber-type disproportion. Identifiers: Orphanet 2020, MedGen C0546264, MONDO:0009711. Inheritance: all.
Congenital multicore myopathy with external ophthalmoplegia (CMYO1B). Also called: Minicore myopathy with external ophthalmoplegia; MULTICORE MYOPATHY; Congenital myopathy 1B, autosomal recessive; Minicore myopathy; MULTIMINICORE DISEASE WITH EXTERNAL OPHTHALMOPLEGIA. Identifiers: Orphanet 598, Orphanet 98905, MedGen C1850674, MONDO:0009712, OMIM 255320, HP:0003789.
Malignant hyperthermia, susceptibility to, 1 (MHS1). Also called: Anesthesia related hyperthermia; Malignant hyperpyrexia; Fulminating hyperpyrexia; Pharmacogenic myopathy; RYR1-Related Malignant Hyperthermia Susceptibility; Malignant hyperthermia suceptibility 1. Identifiers: Orphanet 423, MedGen C2930980, MONDO:0007783, OMIM 145600.
Central core myopathy (CMYO1A). Also called: CONGENITAL MYOPATHY 1A, AUTOSOMAL DOMINANT, WITH SUSCEPTIBILITY TO MALIGNANT HYPERTHERMIA; Central core disease; Myopathy, central fibrillar. Identifiers: Orphanet 597, MedGen C5830701, MONDO:0007294, OMIM 117000.
RYR1-related disorder. Also called: RYR1-related condition; RYR1-related disorders. Identifiers: MedGen CN239331.
Inborn genetic diseases. Identifiers: MedGen C0950123, MeSH D030342.

Allele frequency attached by ClinVar (database versions not stated): TOPMed 0.00003; gnomAD 0.00005 and 0.00006; gnomAD exomes 0.00004; ExAC 0.00002.
gnomAD v4.1: 46 of 1,613,962 alleles (0.0029%); highest among the groups gnomAD compares: Admixed American, 0.018%; no homozygotes.

Submissions (10):

GeneDx
Classification: Uncertain significance. Last evaluated: 2026-03-07. Review status: criteria provided, single submitter. Criteria: GeneDx Variant Classification Process June 2021. Collection method: clinical testing. Allele origin: germline.
Comment: Reported homozygous in a neonatal patient that underwent diagnostic exome sequencing; however, clinical information was not provided (PMID: 29565416); Reported heterozygous in an hospitalized infant that underwent a targeted neonatal gene panel; however, clinical information was not provided (PMID: 37432431); In silico analysis supports that this missense variant has a deleterious effect on protein structure/function; This variant is associated with the following publications: (PMID: 37432431, 29565416, 20681998, 33767344)

Color Diagnostics, LLC DBA Color Health
Classification: Uncertain significance for Malignant hyperthermia, susceptibility to, 1. Last evaluated: 2025-08-26. Review status: criteria provided, single submitter. Criteria: ACMG Guidelines, 2015. Collection method: clinical testing. Allele origin: germline.
Comment: This missense variant replaces arginine with tryptophan at codon 4735 of the RYR1 protein. Computational prediction suggests that this variant may have deleterious impact on protein structure and function. Although functional studies have not been reported for this variant, it occurs in the C-terminal region of the RYR1 protein (a.a. 4,631-4,991) that is considered to be a hotspot for pathogenic variants that may contribute to malignant hyperthermia susceptibility as well as other phenotype(s) (PMID: 21118704). This variant has not been reported in individuals affected with autosomal dominant malignant hyperthermia in the literature, although it is associated with other phenotype(s) (ClinVar variation ID: 199248). This variant has been identified in 11/282720 chromosomes in the general population by the Genome Aggregation Database (gnomAD). Due to insufficient evidence, this variant is classified as a Variant of Uncertain Significance for autosomal dominant malignant hyperthermia.

Labcorp Genetics (formerly Invitae), Labcorp
Classification: Uncertain significance for RYR1-related disorder. Last evaluated: 2024-10-09. Review status: criteria provided, single submitter. Criteria: Invitae Variant Classification Sherloc (09022015). Collection method: clinical testing. Allele origin: germline.
Comment: This sequence change replaces arginine, which is basic and polar, with tryptophan, which is neutral and slightly polar, at codon 4735 of the RYR1 protein (p.Arg4735Trp). This variant is present in population databases (rs766887342, gnomAD 0.02%). This missense change has been observed in individual(s) with clinical features of RYR1-related conditions (PMID: 37432431). ClinVar contains an entry for this variant (Variation ID: 199248). Invitae Evidence Modeling of protein sequence and biophysical properties (such as structural, functional, and spatial information, amino acid conservation, physicochemical variation, residue mobility, and thermodynamic stability) indicates that this missense variant is not expected to disrupt RYR1 protein function with a negative predictive value of 80%. This variant disrupts the p.Arg4735 amino acid residue in RYR1. Other variant(s) that disrupt this residue have been observed in individuals with RYR1-related conditions (PMID: 24433488), which suggests that this may be a clinically significant amino acid residue. In summary, the available evidence is currently insufficient to determine the role of this variant in disease. Therefore, it has been classified as a Variant of Uncertain Significance.

All of Us Research Program, National Institutes of Health
Classification: Uncertain significance for Malignant hyperthermia, susceptibility to, 1. Last evaluated: 2024-09-27. Review status: criteria provided, single submitter. Criteria: ACMG Guidelines, 2015. Collection method: clinical testing. Allele origin: germline. Inheritance: Autosomal dominant inheritance. Observed: 16 variant alleles, 16 heterozygotes.
Comment: This missense variant replaces arginine with tryptophan at codon 4735 of the RYR1 protein. Computational prediction suggests that this variant may have deleterious impact on protein structure and function (internally defined REVEL score threshold >= 0.7, PMID: 27666373). Although functional studies have not been reported for this variant, it occurs in the C-terminal region of the RYR1 protein (a.a. 4,631-4,991) that is considered to be a hotspot for pathogenic variants that may contribute to malignant hyperthermia susceptibility as well as other phenotype(s) (PMID: 21118704). This variant has not been reported in individuals affected with autosomal dominant malignant hyperthermia in the literature, although it is associated with other phenotype(s) (ClinVar variation ID: 199248). This variant has been identified in 11/282720 chromosomes in the general population by the Genome Aggregation Database (gnomAD). Due to insufficient evidence, this variant is classified as a Variant of Uncertain Significance for autosomal dominant malignant hyperthermia.

This study involves interpretation of variants in research participants for the purpose of population health screening. Participant phenotype was not available at the time of variant classification. Additional details can be found in publication PMID: 35346344, PMCID: PMC8962531

Fulgent Genetics
Classification: Uncertain significance for Central core myopathy; Malignant hyperthermia, susceptibility to, 1; Congenital myopathy 4A, autosomal dominant; Congenital multicore myopathy with external ophthalmoplegia; King Denborough syndrome. Last evaluated: 2021-09-07. Review status: criteria provided, single submitter. Criteria: ACMG Guidelines, 2015. Collection method: clinical testing. Allele origin: unknown.

Athena Diagnostics
Classification: Uncertain significance. Last evaluated: 2020-09-17. Review status: criteria provided, single submitter. Criteria: Athena Diagnostics Criteria. Collection method: clinical testing. Allele origin: unknown.
Comment: This observation is not an independent occurrence and has been identified in the same individual by RCIGM, the other laboratory participating in the GEMINI study.

Revvity Omics, Revvity
Classification: Uncertain significance. Last evaluated: 2019-11-11. Review status: criteria provided, single submitter. Criteria: ACMG Guidelines, 2015. Collection method: clinical testing. Allele origin: germline.

Women's Health and Genetics/Laboratory Corporation of America, LabCorp
Classification: Uncertain significance. Last evaluated: 2019-01-23. Review status: criteria provided, single submitter. Criteria: LabCorp Variant Classification Summary - May 2015. Collection method: clinical testing. Allele origin: germline.
Comment: Variant summary: RYR1 c.14203C>T (p.Arg4735Trp) results in a non-conservative amino acid change in the encoded protein sequence. Four of five in-silico tools predict a damaging effect of the variant on protein function. The variant allele was found at a frequency of 4e-05 in 277056 control chromosomes (gnomAD). This frequency is not significantly higher than expected for a pathogenic variant in RYR1 causing Malignant Hyperthermia Susceptibility (4e-05 vs 8.8e-05), allowing no conclusion about variant significance. c.14203C>T has been reported in the literature in homozygous form, in case report, describing a newborn who had severe hypotonia, similar to some other patients with mutations at different loci in RYR1, however the patient also had cerebral atrophy and dysfunction, which is unusual for RYR1-related disorders (Gilfert 2016). This report therefore does not provide unequivocal conclusions about association of the variant with Malignant Hyperthermia Susceptibility (MHS). To our knowledge, no experimental evidence demonstrating an impact on protein function has been reported. However, a study for a different missense change affecting the same amino acid (Arg4735Gln), showed pathological contractures after caffeine and halothane application, where the in vitro contracture tests were performed on a muscle biopsy specimen taken from a heterozygote patient with a history of clinical MH and a histology positive for central cores (Klingler 2014). In addition, some neighboring missense changes (p.Y4733D, p.G4734E, p.R4737Q, p.R4737W), have been reported in patients with malignant hyperthermia (HGMD). These data support the functional significance of this region. Two clinical diagnostic laboratories have submitted clinical-significance assessments for this variant to ClinVar after 2014 without evidence for independent evaluation, and classified the variant as uncertain significance. Based on the evidence outlined above, the variant was classified as VUS-possibly pathogenic.

Eurofins Ntd Llc (ga)
Classification: Uncertain significance. Last evaluated: 2016-12-13. Review status: criteria provided, single submitter. Criteria: EGL Classification Definitions 2015. Collection method: clinical testing. Allele origin: germline. Observed: 2 variant alleles, 2 heterozygotes.

Ambry Genetics
Classification: Uncertain significance for Inborn genetic diseases. Last evaluated: 2016-04-07. Review status: criteria provided, single submitter. Criteria: Ambry exome assertion method (8-5-2015). Collection method: clinical testing. Allele origin: germline. Affected: yes. Observed: 1 variant allele.

Literature cited by the submitters: PubMed 21118704 (cited by Color Diagnostics, LLC DBA Color Health and All of Us Research Program, National Institutes of Health); PubMed 37432431 (cited by Labcorp Genetics (formerly Invitae), Labcorp); PubMed 24433488 (cited by 3 submitters).

NM_000540.3(RYR1):c.14203C>T (p.Arg4735Trp)

Gene: RYR1 (ryanodine receptor 1; plus strand). Cytogenetic location: 19q13.2.
Variant type: single nucleotide variant.
Coding change: c.14203C>T on transcript NM_000540.3 (MANE Select); coding-DNA position 14203, C replaced by T.
Protein change: p.Arg4735Trp; replaces arginine 4735 with tryptophan.
Molecular consequence: missense variant.
Genome position (GRCh38, 1-based): chr19:38,577,948, C>T. VCF-style: chr19-38577948-C-T. GRCh37 (hg19) VCF-style: chr19-39068588-C-T.
Other names: c.14188C>T, p.Arg4730Trp (NM_001042723.2); short protein forms R4735W, R4730W.
Identifiers: ClinVar variation 199248 (VCV000199248.21), dbSNP rs766887342, ClinGen allele CA024114.
Genomic context (GRCh38, chr19:38,577,948, plus strand): 5'-GTCTACACAGCCTGATGCTCTCTTGTGCAGGTCCTGGACAAACATGGGGACATCTACGGG[C>T]GGGAGCGGATTGCTGAGCTACTGGGCATGGACCTGGCCACACTAGAGATCACAGCCCACA-3'
Protein context (NP_000531.2, residues 4725-4745): VLDKHGDIYG[Arg4735Trp]ERIAELLGMD